The following is an entry in ClinVar:

NM_000465.4(BARD1):c.1975A>G (p.Arg659Gly)

Gene: BARD1 (BRCA1 associated RING domain 1; minus strand). Cytogenetic location: 2q35.
Variant type: single nucleotide variant.
Coding change: c.1975A>G on transcript NM_000465.4 (MANE Select); coding-DNA position 1975, A replaced by G.
Protein change: p.Arg659Gly; replaces arginine 659 with glycine.
Molecular consequence: missense variant. On other transcripts: non-coding transcript variant (3).
Genome position (GRCh38, 1-based): chr2:214,730,437, T>C on the plus strand (A>G on the coding strand, the complement: BARD1 is on the minus strand). VCF-style: chr2-214730437-T-C. GRCh37 (hg19) VCF-style: chr2-215595161-T-C.
Other names: c.1918A>G, p.Arg640Gly (NM_001282543.2); c.622A>G, p.Arg208Gly (NM_001282545.2); c.565A>G, p.Arg189Gly (NM_001282548.2); c.436A>G, p.Arg146Gly (NM_001282549.2); short protein forms R659G, R146G, R208G, R640G, R189G.
Identifiers: ClinVar variation 142545 (VCV000142545.20), dbSNP rs587782534, ClinGen allele CA168675.

ClinVar aggregate classification (germline): Uncertain significance. Review status: criteria provided, multiple submitters, no conflicts (2 of 4 stars). 3 submissions from 3 submitters: Uncertain significance (3). Last evaluated 2026-01-12.

Conditions:
Hereditary cancer-predisposing syndrome. Also called: Hereditary Cancer Syndrome; Neoplastic Syndromes, Hereditary; Hereditary neoplastic syndrome; Tumor predisposition. Identifiers: Orphanet 140162, MedGen C0027672, MeSH D009386, MONDO:0015356.
Familial cancer of breast. Also called: BREAST CANCER, FAMILIAL; Hereditary breast cancer; hereditary breast carcinoma. Identifiers: Orphanet 227535, MedGen C0346153, MONDO:0016419, OMIM 114480. Disease mechanism: loss of function.

Submissions (3):

Labcorp Genetics (formerly Invitae), Labcorp
Classification: Uncertain significance for Familial cancer of breast. Last evaluated: 2026-01-12. Review status: criteria provided, single submitter. Criteria: Invitae Variant Classification Sherloc (09022015). Collection method: clinical testing. Allele origin: germline.
Comment: This sequence change replaces arginine, which is basic and polar, with glycine, which is neutral and non-polar, at codon 659 of the BARD1 protein (p.Arg659Gly). This variant is not present in population databases (gnomAD no frequency). This variant has not been reported in the literature in individuals affected with BARD1-related conditions. ClinVar contains an entry for this variant (Variation ID: 142545). An algorithm developed to predict the effect of missense changes on protein structure and function (PolyPhen-2) suggests that this variant is likely to be disruptive. In summary, the available evidence is currently insufficient to determine the role of this variant in disease. Therefore, it has been classified as a Variant of Uncertain Significance.

Ambry Genetics
Classification: Uncertain significance for Hereditary cancer-predisposing syndrome. Last evaluated: 2024-06-07. Review status: criteria provided, single submitter. Criteria: Ambry Variant Classification Scheme 2023. Collection method: clinical testing. Allele origin: germline.
Comment: The p.R659G variant (also known as c.1975A>G), located in coding exon 10 of the BARD1 gene, results from an A to G substitution at nucleotide position 1975. The arginine at codon 659 is replaced by glycine, an amino acid with dissimilar properties. This amino acid position is well conserved in available vertebrate species. In addition, the in silico prediction for this alteration is inconclusive. Since supporting evidence is limited at this time, the clinical significance of this alteration remains unclear.

Color Diagnostics, LLC DBA Color Health
Classification: Uncertain significance for Hereditary cancer-predisposing syndrome. Last evaluated: 2024-03-06. Review status: criteria provided, single submitter. Criteria: ACMG Guidelines, 2015. Collection method: clinical testing. Allele origin: germline.
Comment: This missense variant replaces arginine with glycine at codon 659 of the BARD1 protein. Computational prediction suggests that this variant may not impact protein structure and function (internally defined REVEL score threshold <= 0.5, PMID: 27666373). To our knowledge, functional studies have not been reported for this variant. This variant has not been reported in individuals affected with hereditary cancer in the literature. This variant has not been identified in the general population by the Genome Aggregation Database (gnomAD). The available evidence is insufficient to determine the role of this variant in disease conclusively. Therefore, this variant is classified as a Variant of Uncertain Significance.